The following is an entry in ClinVar:

ClinVar aggregate classification (germline): Uncertain significance (1 of 4 stars; one submission).

Allele frequency attached by ClinVar (database versions not stated): gnomAD 0.00002; TOPMed 0.00002; gnomAD exomes 0.00003; ExAC 0.00004.

Submission:

Labcorp Genetics (formerly Invitae), Labcorp
Classification: Uncertain significance. Last evaluated: 2022-10-13. Review status: criteria provided, single submitter. Criteria: Invitae Variant Classification Sherloc (09022015). Collection method: clinical testing. Allele origin: germline.
Comment: This sequence change replaces valine, which is neutral and non-polar, with isoleucine, which is neutral and non-polar, at codon 482 of the TARS2 protein (p.Val482Ile). This variant is present in population databases (rs775749716, gnomAD 0.006%). This variant has not been reported in the literature in individuals affected with TARS2-related conditions. Advanced modeling of protein sequence and biophysical properties (such as structural, functional, and spatial information, amino acid conservation, physicochemical variation, residue mobility, and thermodynamic stability) performed at Invitae indicates that this missense variant is not expected to disrupt TARS2 protein function. In summary, the available evidence is currently insufficient to determine the role of this variant in disease. Therefore, it has been classified as a Variant of Uncertain Significance.

NM_025150.5(TARS2):c.1444G>A (p.Val482Ile)

Gene: TARS2 (threonyl-tRNA synthetase 2, mitochondrial; plus strand). Cytogenetic location: 1q21.2.
Variant type: single nucleotide variant.
Coding change: c.1444G>A on transcript NM_025150.5 (MANE Select); coding-DNA position 1444, G replaced by A.
Protein change: p.Val482Ile; replaces valine 482 with isoleucine.
Molecular consequence: missense variant. On other transcripts: non-coding transcript variant (2).
Genome position (GRCh38, 1-based): chr1:150,498,939, G>A. VCF-style: chr1-150498939-G-A. GRCh37 (hg19) VCF-style: chr1-150471415-G-A.
Other names: c.1198G>A, p.Val400Ile (NM_001271895.2); c.1054G>A, p.Val352Ile (NM_001271896.2); short protein forms V352I, V482I, V400I.
Identifiers: ClinVar variation 1901324 (VCV001901324.2), dbSNP rs775749716, ClinGen allele CA1077013.